The following is an entry in ClinVar:

NM_012414.4(RAB3GAP2):c.1998+1G>A

Gene: RAB3GAP2 (RAB3 GTPase activating non-catalytic protein subunit 2; minus strand). Cytogenetic location: 1q41.
Variant type: single nucleotide variant.
Coding change: c.1998+1G>A on transcript NM_012414.4 (MANE Select); the canonical splice donor site of the intron after coding-DNA position 1998, G replaced by A.
Molecular consequence: splice donor variant.
Genome position (GRCh38, 1-based): chr1:220,184,035, C>T on the plus strand (G>A on the coding strand, the complement: RAB3GAP2 is on the minus strand). VCF-style: chr1-220184035-C-T. GRCh37 (hg19) VCF-style: chr1-220357377-C-T.
Identifiers: ClinVar variation 1435827 (VCV001435827.6), dbSNP rs2102866054, ClinGen allele CA344643224.

ClinVar aggregate classification (germline): Pathogenic (1 of 4 stars; one submission).

Conditions:
Martsolf syndrome (MARTS). Also called: Congenital cataract with intellectual disability and hypogonadotropic hypogonadism syndrome. Identifiers: Orphanet 1387, MedGen C0796037, MONDO:0023910.
Warburg micro syndrome 2 (WARBM2). Also called: MICRO SYNDROME 2. Identifiers: Orphanet 2510, MedGen C3280214, MONDO:0013641, OMIM 614225.

Submission:

Labcorp Genetics (formerly Invitae), Labcorp
Classification: Pathogenic for Martsolf syndrome; Warburg micro syndrome 2. Last evaluated: 2022-11-15. Review status: criteria provided, single submitter. Criteria: Invitae Variant Classification Sherloc (09022015). Collection method: clinical testing. Allele origin: germline.
Comment: For these reasons, this variant has been classified as Pathogenic. Algorithms developed to predict the effect of sequence changes on RNA splicing suggest that this variant may disrupt the consensus splice site. ClinVar contains an entry for this variant (Variation ID: 1435827). Disruption of this splice site has been observed in individual(s) with Warburg micro syndrome (PMID: 29419336). It has also been observed to segregate with disease in related individuals. This variant is not present in population databases (gnomAD no frequency). This sequence change affects a donor splice site in intron 19 of the RAB3GAP2 gene. It is expected to disrupt RNA splicing. Variants that disrupt the donor or acceptor splice site typically lead to a loss of protein function (PMID: 16199547), and loss-of-function variants in RAB3GAP2 are known to be pathogenic (PMID: 23420520).

Literature cited by the submitters: PubMed 29419336; PubMed 16199547; PubMed 23420520.